The following is an entry in ClinVar:

NM_000426.4(LAMA2):c.2383G>A (p.Glu795Lys)

Gene: LAMA2 (laminin subunit alpha 2; plus strand). Cytogenetic location: 6q22.33.
Variant type: single nucleotide variant.
Coding change: c.2383G>A on transcript NM_000426.4 (MANE Select); coding-DNA position 2383, G replaced by A.
Protein change: p.Glu795Lys; replaces glutamic acid 795 with lysine.
Molecular consequence: missense variant.
Genome position (GRCh38, 1-based): chr6:129,270,684, G>A. VCF-style: chr6-129270684-G-A. GRCh37 (hg19) VCF-style: chr6-129591829-G-A.
Other names: c.2383G>A, p.Glu795Lys (NM_001079823.2); short protein forms E795K.
Identifiers: ClinVar variation 2043377 (VCV002043377.4), dbSNP rs149896793, ClinGen allele CA146880599.

ClinVar aggregate classification (germline): Uncertain significance. Review status: criteria provided, multiple submitters, no conflicts (2 of 4 stars). 2 submissions from 2 submitters: Uncertain significance (2). Last evaluated 2022-05-04.

Conditions:
LAMA2-related muscular dystrophy (LAMA2-RD). Also called: Laminin alpha 2-related dystrophy. Identifiers: MedGen C5679788, MONDO:0100228.

Allele frequency attached by ClinVar (database versions not stated): 1000 Genomes Project 30x 0.00016; 1000 Genomes Project 0.00020.
gnomAD v4.1: 5 of 1,612,916 alleles (0.00031%); highest among the groups gnomAD compares: East Asian, 0.0022%; no homozygotes.

Submissions (2):

Labcorp Genetics (formerly Invitae), Labcorp
Classification: Uncertain significance for LAMA2-related muscular dystrophy. Last evaluated: 2022-05-04. Review status: criteria provided, single submitter. Criteria: Invitae Variant Classification Sherloc (09022015). Collection method: clinical testing. Allele origin: germline.
Comment: This sequence change replaces glutamic acid, which is acidic and polar, with lysine, which is basic and polar, at codon 795 of the LAMA2 protein (p.Glu795Lys). This variant is not present in population databases (gnomAD no frequency). This variant has not been reported in the literature in individuals affected with LAMA2-related conditions. Advanced modeling of protein sequence and biophysical properties (such as structural, functional, and spatial information, amino acid conservation, physicochemical variation, residue mobility, and thermodynamic stability) performed at Invitae indicates that this missense variant is not expected to disrupt LAMA2 protein function. In summary, the available evidence is currently insufficient to determine the role of this variant in disease. Therefore, it has been classified as a Variant of Uncertain Significance.

Revvity Omics, Revvity
Classification: Uncertain significance. Last evaluated: 2021-10-13. Review status: criteria provided, single submitter. Criteria: ACMG Guidelines, 2015. Collection method: clinical testing. Allele origin: germline.